The following is an entry in ClinVar:

ClinVar aggregate classification (germline): Pathogenic (1 of 4 stars; one submission).

Conditions:
Hypertrophic cardiomyopathy. Also called: HYPERTROPHIC MYOCARDIOPATHY. Identifiers: Orphanet 217569, MedGen C0007194, MeSH D002312, MONDO:0005045, HP:0001639.

Submission:

Labcorp Genetics (formerly Invitae), Labcorp
Classification: Pathogenic for Hypertrophic cardiomyopathy. Last evaluated: 2021-06-10. Review status: criteria provided, single submitter. Criteria: Invitae Variant Classification Sherloc (09022015). Collection method: clinical testing. Allele origin: germline.
Comment: This variant is not present in population databases (ExAC no frequency). For these reasons, this variant has been classified as Pathogenic. This variant has not been reported in the literature in individuals with MYBPC3-related conditions. This sequence change creates a premature translational stop signal (p.Gln1103Hisfs*39) in the MYBPC3 gene. It is expected to result in an absent or disrupted protein product. Loss-of-function variants in MYBPC3 are known to be pathogenic (PMID: 19574547).

Literature cited by the submitters: PubMed 19574547.

NM_000256.3(MYBPC3):c.3309_3328del (p.Gln1103fs)

Gene: MYBPC3 (myosin binding protein C3; minus strand). Cytogenetic location: 11p11.2.
Variant type: Deletion.
Coding change: c.3309_3328del on transcript NM_000256.3 (MANE Select); coding-DNA positions 3309 to 3328, 20 bases deleted (GAAAGCCGACAAGAAGACCA).
Protein change: p.Gln1103fs; shifts the reading frame from glutamine 1103.
Molecular consequence: frameshift variant.
Genome position (GRCh38, 1-based): chr11:47,333,196-47,333,215, TGGTCTTCTTGTCGGCTTTC deleted on the plus strand (GAAAGCCGACAAGAAGACCA on the coding strand, the reverse complement: MYBPC3 is on the minus strand); deleting any 20 consecutive bases within chr11:47,333,196-47,333,217 gives the same sequence; the c. name uses the placement nearest the transcript's 3' end. VCF-style (leftmost placement, unchanged base first): chr11-47333195-ATGGTCTTCTTGTCGGCTTTC-A. GRCh37 (hg19) VCF-style: chr11-47354746-ATGGTCTTCTTGTCGGCTTTC-A.
Other names: short protein forms Q1103fs.
Identifiers: ClinVar variation 1455717 (VCV001455717.6), dbSNP rs2142850741, ClinGen allele CA2573146363.
Genomic context (GRCh38, chr11:47,333,195, plus strand): 5'-GGCCTGGGTCTGCCGGGCCTAGGCAGGGTGCACGTGGGGACCCCAGACCCTGGGCTCACC[ATGGTCTTCTTGTCGGCTTTC>A]TGCACTGTGTACCCCCAGAGCTCCGTGTTGCCGACATCCTGGGGTGGCTTCCACTCCAGA-3'